The following is an entry in ClinVar:

NM_000132.4(F8):c.5696T>C (p.Phe1899Ser)

Gene: F8 (coagulation factor VIII; minus strand). Cytogenetic location: Xq28.
Variant type: single nucleotide variant.
Coding change: c.5696T>C on transcript NM_000132.4 (MANE Select); coding-DNA position 5696, T replaced by C.
Protein change: p.Phe1899Ser; replaces phenylalanine 1899 with serine.
Molecular consequence: missense variant.
Genome position (GRCh38, 1-based): chrX:154,904,415, A>G on the plus strand (T>C on the coding strand, the complement: F8 is on the minus strand). VCF-style: chrX-154904415-A-G. GRCh37 (hg19) VCF-style: chrX-154132690-A-G.
Other names: short protein forms F1899S.
Identifiers: ClinVar variation 812065 (VCV000812065.10), dbSNP rs1486435006, ClinGen allele CA414907812.

ClinVar aggregate classification (germline): Conflicting classifications of pathogenicity. Review status: criteria provided, conflicting classifications (1 of 4 stars). 2 submissions from 2 submitters: Likely pathogenic (1); Uncertain significance (1). Last evaluated 2026-04-07.

Conditions:
Hereditary factor VIII deficiency disease (HEMA). Also called: AUTOSOMAL HEMOPHILIA A; HEMOPHILIA, CLASSIC; Hemophilia A, congenital; HEM A; Factor 8 deficiency, congenital; Hemophilia A. Identifiers: Orphanet 98878, MedGen C0019069, MONDO:0010602, OMIM 306700.

Allele frequency attached by ClinVar (database versions not stated): TOPMed 0.00005.

Submissions (2):

Myriad Genetics, Inc.
Classification: Uncertain significance for Hereditary factor VIII deficiency disease. Last evaluated: 2026-04-07. Review status: criteria provided, single submitter. Criteria: Myriad Autosomal Dominant, Autosomal Recessive and X-Linked Classification Criteria (2023). Collection method: clinical testing. Allele origin: unknown.
Comment: NM_000132.3(F8):c.5696T>C(F1899S) is a missense variant classified as a variant of uncertain significance in the context of hemophilia A. F1899S has been observed in cases with relevant disease (PMID: 29296726, 22117735). Relevant functional assessments of this variant are not available in the literature. F1899S has not been observed in referenced population frequency databases. In summary, there is insufficient evidence to classify NM_000132.3(F8):c.5696T>C(F1899S) as pathogenic or benign. Please note: this variant was assessed in the context of healthy population screening.

ARUP Laboratories, Molecular Genetics and Genomics, ARUP Laboratories
Classification: Likely pathogenic. Last evaluated: 2023-08-30. Review status: criteria provided, single submitter. Criteria: ARUP Molecular Germline Variant Investigation Process 2024. Collection method: clinical testing. Allele origin: germline.
Comment: The F8 c.5696T>C; p.Phe1899Ser variant is reported in the literature in multiple individuals affected with hemophilia A (Johnsen 2017, Ravanbod 2012). This variant is also reported in ClinVar (Variation ID: 812065) and is absent from the Genome Aggregation Database, indicating it is not a common polymorphism. Computational analyses predict that this variant is deleterious (REVEL: 0.951). Based on available information, this variant is considered to be likely pathogenic. References: Johnsen JM et al. Novel approach to genetic analysis and results in 3000 hemophilia patients enrolled in the My Life, Our Future initiative. Blood Adv. 2017 May 18;1(13):824-834. PMID: 29296726. Ravanbod S et al. Identification of 123 previously unreported mutations in the F8 gene of Iranian patients with haemophilia A. Haemophilia. 2012 May;18(3):e340-6. PMID: 22117735.

Literature cited by the submitters: PubMed 22117735 (cited by Myriad Genetics, Inc.); PubMed 29296726 (cited by Myriad Genetics, Inc.).